The following is an entry in ClinVar:

ClinVar aggregate classification (germline): Uncertain significance (1 of 4 stars; one submission).

Conditions:
Aortic aneurysm, familial thoracic 4 (AAT4). Also called: AORTIC ANEURYSM/AORTIC DISSECTION AND PATENT DUCTUS ARTERIOSUS. Identifiers: MedGen C1851504, MONDO:0007568, OMIM 132900.

Submission:

Labcorp Genetics (formerly Invitae), Labcorp
Classification: Uncertain significance for Aortic aneurysm, familial thoracic 4. Last evaluated: 2024-01-19. Review status: criteria provided, single submitter. Criteria: Invitae Variant Classification Sherloc (09022015). Collection method: clinical testing. Allele origin: germline.
Comment: This sequence change replaces alanine, which is neutral and non-polar, with aspartic acid, which is acidic and polar, at codon 1761 of the MYH11 protein (p.Ala1761Asp). This variant is not present in population databases (gnomAD no frequency). This variant has not been reported in the literature in individuals affected with MYH11-related conditions. Advanced modeling of protein sequence and biophysical properties (such as structural, functional, and spatial information, amino acid conservation, physicochemical variation, residue mobility, and thermodynamic stability) performed at Invitae indicates that this missense variant is not expected to disrupt MYH11 protein function with a negative predictive value of 95%. In summary, the available evidence is currently insufficient to determine the role of this variant in disease. Therefore, it has been classified as a Variant of Uncertain Significance.

NM_002474.3(MYH11):c.5261C>A (p.Ala1754Asp)

Genes: MYH11 (myosin heavy chain 11; minus strand), NDE1 (nudE neurodevelopment protein 1; plus strand). Cytogenetic location: 16p13.11.
Variant type: single nucleotide variant.
Coding change: c.5261C>A on transcript NM_002474.3 (MANE Select); coding-DNA position 5261, C replaced by A.
Protein change: p.Ala1754Asp; replaces alanine 1754 with aspartic acid.
Molecular consequence: missense variant. On other transcripts: intron variant (2).
Genome position (GRCh38, 1-based): chr16:15,718,349, G>T on the plus strand (C>A on the coding strand, the complement: MYH11 is on the minus strand). VCF-style: chr16-15718349-G-T. GRCh37 (hg19) VCF-style: chr16-15812206-G-T.
Other names: c.948-5842G>T (NM_001143979.2, NM_017668.3); c.5261C>A, p.Ala1754Asp (NM_022844.3); c.5282C>A, p.Ala1761Asp (NM_001040113.2, NM_001040114.2); short protein forms A1754D, A1761D.
Identifiers: ClinVar variation 2710190 (VCV002710190.3), dbSNP rs904032269, ClinGen allele CA394849969.